The following is an entry in ClinVar:

ClinVar aggregate classification (germline): Uncertain significance (1 of 4 stars; one submission).

Conditions:
Hereditary cancer-predisposing syndrome. Also called: Tumor predisposition; Hereditary Cancer Syndrome; Neoplastic Syndromes, Hereditary; Hereditary neoplastic syndrome. Identifiers: Orphanet 140162, MedGen C0027672, MeSH D009386, MONDO:0015356.

Submission:

Ambry Genetics
Classification: Uncertain significance for Hereditary cancer-predisposing syndrome. Last evaluated: 2022-02-13. Review status: criteria provided, single submitter. Criteria: Ambry Variant Classification Scheme 2023. Collection method: clinical testing. Allele origin: germline.
Comment: The p.T37I variant (also known as c.110C>T), located in coding exon 2 of the PMS2 gene, results from a C to T substitution at nucleotide position 110. The threonine at codon 37 is replaced by isoleucine, an amino acid with similar properties. This amino acid position is conserved. In addition, this alteration is predicted to be deleterious by in silico analysis. Since supporting evidence is limited at this time, the clinical significance of this alteration remains unclear.

NM_000535.7(PMS2):c.110C>T (p.Thr37Ile)

Gene: PMS2 (PMS1 homolog 2, mismatch repair system component; minus strand). Cytogenetic location: 7p22.1.
Variant type: single nucleotide variant.
Coding change: c.110C>T on transcript NM_000535.7 (MANE Select); coding-DNA position 110, C replaced by T.
Protein change: p.Thr37Ile; replaces threonine 37 with isoleucine.
Molecular consequence: missense variant. On other transcripts: 5 prime UTR variant (8), non-coding transcript variant (1), intron variant (3).
Genome position (GRCh38, 1-based): chr7:6,005,945, G>A on the plus strand (C>T on the coding strand, the complement: PMS2 is on the minus strand). VCF-style: chr7-6005945-G-A. GRCh37 (hg19) VCF-style: chr7-6045576-G-A.
Other names: c.-296C>T (NM_001018040.1, NM_001322003.2, NM_001322005.2 and 11 more transcripts); c.110C>T, p.Thr37Ile (NM_001322006.2, NM_001322014.2, NM_001406868.1 and 10 more transcripts); c.-106C>T (NM_001322007.2, NM_001406876.1, NM_001406883.1 and 4 more transcripts); c.-775C>T (NM_001322011.2, NM_001322012.2); c.-375C>T (NM_001322015.2, NM_001406875.1, NM_001406877.1 and 2 more transcripts); c.296C>T, p.Thr99Ile (NM_001406866.1); c.-322C>T (NM_001406880.1); c.-243C>T (NM_001406888.1, NM_001406889.1, NM_001406892.1 and 5 more transcripts); and 4 more; short protein forms T37I, T99I.
Identifiers: ClinVar variation 1794762 (VCV001794762.2), dbSNP rs2128845055, ClinGen allele CA366745044.